The following is an entry in ClinVar:

NM_000883.4(IMPDH1):c.781A>T (p.Ser261Cys)

Gene: IMPDH1 (inosine monophosphate dehydrogenase 1; minus strand). Cytogenetic location: 7q32.1.
Variant type: single nucleotide variant.
Coding change: c.781A>T on transcript NM_000883.4 (MANE Select); coding-DNA position 781, A replaced by T.
Protein change: p.Ser261Cys; replaces serine 261 with cysteine.
Molecular consequence: missense variant.
Genome position (GRCh38, 1-based): chr7:128,400,338, T>A on the plus strand (A>T on the coding strand, the complement: IMPDH1 is on the minus strand). VCF-style: chr7-128400338-T-A. GRCh37 (hg19) VCF-style: chr7-128040392-T-A.
Other names: c.751A>T, p.Ser251Cys (NM_001102605.2); c.526A>T, p.Ser176Cys (NM_001142573.2); c.511A>T, p.Ser171Cys (NM_001142574.2); c.451A>T, p.Ser151Cys (NM_001142575.2); c.682A>T, p.Ser228Cys (NM_001142576.2); c.574A>T, p.Ser192Cys (NM_001304521.2); c.673A>T, p.Ser225Cys (NM_183243.3); short protein forms S225C, S176C, S228C, S261C, S151C, S171C, S192C, S251C.
Identifiers: ClinVar variation 860600 (VCV000860600.9), dbSNP rs1252835165, ClinGen allele CA369172720.

ClinVar aggregate classification (germline): Uncertain significance. Review status: criteria provided, multiple submitters, no conflicts (2 of 4 stars). 3 submissions from 3 submitters: Uncertain significance (3). Last evaluated 2025-04-28.

Allele frequency attached by ClinVar (database versions not stated): gnomAD exomes below 0.00001; gnomAD 0.00001.

Submissions (3):

Labcorp Genetics (formerly Invitae), Labcorp
Classification: Uncertain significance. Last evaluated: 2025-04-28. Review status: criteria provided, single submitter. Criteria: Invitae Variant Classification Sherloc (09022015). Collection method: clinical testing. Allele origin: germline.
Comment: This sequence change replaces serine, which is neutral and polar, with cysteine, which is neutral and slightly polar, at codon 261 of the IMPDH1 protein (p.Ser261Cys). This variant is present in population databases (no rsID available, gnomAD 0.006%). This variant has not been reported in the literature in individuals affected with IMPDH1-related conditions. ClinVar contains an entry for this variant (Variation ID: 860600). An algorithm developed to predict the effect of missense changes on protein structure and function (PolyPhen-2) suggests that this variant is likely to be tolerated. In summary, the available evidence is currently insufficient to determine the role of this variant in disease. Therefore, it has been classified as a Variant of Uncertain Significance.

Blueprint Genetics
Classification: Uncertain significance. Last evaluated: 2018-10-18. Review status: criteria provided, single submitter. Criteria: ACMG Guidelines, 2015. Collection method: clinical testing. Allele origin: germline.

Breakthrough Genomics
Classification: Uncertain significance. Review status: criteria provided, single submitter. Criteria: ACMG Guidelines, 2015. Collection method: not provided. Allele origin: germline. Inheritance: Autosomal recessive inheritance. Affected: yes.